The following is an entry in ClinVar:

ClinVar aggregate classification (germline): Uncertain significance (1 of 4 stars; one submission).

Conditions:
Acromesomelic dysplasia 1, Maroteaux type (AMD1). Also called: ACROMESOMELIC DYSPLASIA 1; ST. HELENA DYSPLASIA. Identifiers: Orphanet 40, MedGen C1864356, MONDO:0011275, OMIM 602875.
Tall stature-scoliosis-macrodactyly of the great toes syndrome. Also called: Epiphyseal chondrodysplasia, miura type. Identifiers: Orphanet 329191, MedGen C4014690, MONDO:0014401, OMIM 615923.

Allele frequency attached by ClinVar (database versions not stated): ExAC 0.00002; gnomAD exomes 0.00003; gnomAD 0.00004.
gnomAD v4.1: 52 of 1,613,982 alleles (0.0032%); highest among the groups gnomAD compares: South Asian, 0.0099%; no homozygotes.

Submission:

Labcorp Genetics (formerly Invitae), Labcorp
Classification: Uncertain significance for Tall stature-scoliosis-macrodactyly of the great toes syndrome; Acromesomelic dysplasia 1, Maroteaux type. Last evaluated: 2023-12-20. Review status: criteria provided, single submitter. Criteria: Invitae Variant Classification Sherloc (09022015). Collection method: clinical testing. Allele origin: germline.
Comment: This sequence change replaces serine, which is neutral and polar, with leucine, which is neutral and non-polar, at codon 434 of the NPR2 protein (p.Ser434Leu). This variant is present in population databases (rs756582549, gnomAD 0.01%). This variant has not been reported in the literature in individuals affected with NPR2-related conditions. Advanced modeling of protein sequence and biophysical properties (such as structural, functional, and spatial information, amino acid conservation, physicochemical variation, residue mobility, and thermodynamic stability) performed at Invitae indicates that this missense variant is not expected to disrupt NPR2 protein function with a negative predictive value of 80%. In summary, the available evidence is currently insufficient to determine the role of this variant in disease. Therefore, it has been classified as a Variant of Uncertain Significance.

NM_003995.4(NPR2):c.1301C>T (p.Ser434Leu)

Gene: NPR2 (natriuretic peptide receptor 2; plus strand). Cytogenetic location: 9p13.3.
Variant type: single nucleotide variant.
Coding change: c.1301C>T on transcript NM_003995.4 (MANE Select); coding-DNA position 1301, C replaced by T.
Protein change: p.Ser434Leu; replaces serine 434 with leucine.
Molecular consequence: missense variant.
Genome position (GRCh38, 1-based): chr9:35,800,791, C>T. VCF-style: chr9-35800791-C-T. GRCh37 (hg19) VCF-style: chr9-35800788-C-T.
Other names: c.1301C>T, p.Ser434Leu (NM_001378923.1); short protein forms S434L.
Identifiers: ClinVar variation 2929502 (VCV002929502.3), dbSNP rs756582549, ClinGen allele CA5051651.
Genomic context (GRCh38, chr9:35,800,791, plus strand): 5'-CTGAGAAGCAGATTTGGTGGACGGGACGGCCTATTCCCTGGGTGAAGGGGGCTCCTCCCT[C>T]GGACAATCCCCCCTGTGCCTTTGACTTGGACGACCCATCCTGTGATAAAAGTGGGTGTGT-3'
Protein context (NP_003986.2, residues 424-444): PIPWVKGAPP[Ser434Leu]DNPPCAFDLD